The following is an entry in ClinVar:

NM_172245.4(CSF2RA):c.549G>C (p.Leu183=)

Gene: CSF2RA (colony stimulating factor 2 receptor subunit alpha; plus strand). Cytogenetic location: Xp22.33.
Variant type: single nucleotide variant.
Coding change: c.549G>C on transcript NM_172245.4 (MANE Select); coding-DNA position 549, G replaced by C.
Protein change: p.Leu183=; no amino-acid change (leucine 183 retained).
Molecular consequence: synonymous variant. On other transcripts: non-coding transcript variant (1).
Genome position (GRCh38, 1-based): chrX:1,290,412, G>C. VCF-style: chrX-1290412-G-C. GRCh37 (hg19) VCF-style: chrX-1409305-G-C.
Other names: c.549G>C, p.Leu183= (NM_001161529.2, NM_001161530.2, NM_001161531.2 and 20 more transcripts); c.150G>C, p.Leu50= (NM_001161532.2).
Identifiers: ClinVar variation 226542 (VCV000226542.17), dbSNP rs139093878, ClinGen allele CA10330861.

ClinVar aggregate classification (germline): Benign/Likely benign. Review status: criteria provided, multiple submitters, no conflicts (2 of 4 stars). 4 submissions from 4 submitters: Benign (3); Likely benign (1). Last evaluated 2026-01-27.

Conditions:
Surfactant metabolism dysfunction, pulmonary, 4 (SMDP4). Also called: CSF2RA DEFICIENCY; PAP DUE TO CSF2RA DEFICIENCY; PULMONARY ALVEOLAR PROTEINOSIS, CONGENITAL, 4. Identifiers: Orphanet 264675, MedGen C2677877, MONDO:0010424, OMIM 300770.

Allele frequency attached by ClinVar (database versions not stated): gnomAD exomes 0.00024 and 0.00072; ExAC 0.00084; ESP Exome Variant Server 0.00254; gnomAD 0.00271 and 0.00280; TOPMed 0.00296; 1000 Genomes Project 0.00477; 1000 Genomes Project 30x 0.00541.

Submissions (4):

Labcorp Genetics (formerly Invitae), Labcorp
Classification: Benign for Surfactant metabolism dysfunction, pulmonary, 4. Last evaluated: 2026-01-27. Review status: criteria provided, single submitter. Criteria: Invitae Variant Classification Sherloc (09022015). Collection method: clinical testing. Allele origin: germline.

Blueprint Genetics
Classification: Likely benign. Last evaluated: 2024-09-18. Review status: criteria provided, single submitter. Criteria: ACMG Guidelines, 2015. Collection method: clinical testing. Allele origin: germline.

Laboratory for Molecular Medicine, Mass General Brigham Personalized Medicine
Classification: Benign. Last evaluated: 2013-02-21. Review status: criteria provided, single submitter. Criteria: LMM Criteria. Collection method: clinical testing. Allele origin: germline. Observed: 2 variant alleles.
Comment: Leu183Leu in exon 8 of CSF2RA: This variant is not expected to have clinical sig nificance because it does not alter an amino acid residue and is not located wit hin the splice consensus sequence. It has been identified in 0.7% (32/4406) of A frican American chromosomes from a broad population by the NHLBI Exome Sequencin g Project (dbSNP rs139093878).

Breakthrough Genomics
Classification: Benign. Review status: criteria provided, single submitter. Criteria: ACMG Guidelines, 2015. Collection method: not provided. Allele origin: germline. Inheritance: Unknown mechanism. Affected: yes.